The following is an entry in ClinVar:

ClinVar aggregate classification (germline): Uncertain significance (0 of 4 stars; one submission).

Conditions:
BBS1-related disorder. Also called: BBS1-related condition.

gnomAD v4.1: 11 of 1,613,132 alleles (0.00068%); highest among the groups gnomAD compares: Non-Finnish European, 0.00085%; no homozygotes.

Submission:

PreventionGenetics, part of Exact Sciences
Classification: Uncertain significance for BBS1-related condition. Last evaluated: 2024-07-02. Review status: no assertion criteria provided. Collection method: clinical testing. Allele origin: germline.
Comment: The BBS1 c.997A>G variant is predicted to result in the amino acid substitution p.Met333Val. To our knowledge, this variant has not been reported in the literature or in a large population database, indicating this variant is rare. At this time, the clinical significance of this variant is uncertain due to the absence of conclusive functional and genetic evidence.

NM_024649.5(BBS1):c.997A>G (p.Met333Val)

Genes: BBS1 (Bardet-Biedl syndrome 1; plus strand), ZDHHC24 (zDHHC palmitoyltransferase 24; minus strand). Cytogenetic location: 11q13.2.
Variant type: single nucleotide variant.
Coding change: c.997A>G on transcript NM_024649.5 (MANE Select); coding-DNA position 997, A replaced by G.
Protein change: p.Met333Val; replaces methionine 333 with valine.
Molecular consequence: missense variant. On other transcripts: intron variant (1).
Genome position (GRCh38, 1-based): chr11:66,523,769, A>G. VCF-style: chr11-66523769-A-G. GRCh37 (hg19) VCF-style: chr11-66291240-A-G.
Other names: c.*22-2303T>C (NM_001348571.2); short protein forms M333V.
Identifiers: ClinVar variation 2632047 (VCV002632047.2), dbSNP rs2495779434, ClinGen allele CA381462194.
Genomic context (GRCh38, chr11:66,523,769, plus strand): 5'-GCTGTTCCCTGCCAGGGGAAGAAGCTGTGGACAGTGCAGATGCCCGCAGCCATCCTGACC[A>G]TGAACCTCCTGGAGCAGCATTCCCGGGGCCTGCAGGCCGTCATGGCTGGGCTGGCCAATG-3'
Protein context (NP_078925.3, residues 323-343): TVQMPAAILT[Met333Val]NLLEQHSRGL